The following is an entry in ClinVar:

ClinVar aggregate classification (germline): Uncertain significance (1 of 4 stars; one submission).

Allele frequency attached by ClinVar (database versions not stated): gnomAD exomes 0.00001.
gnomAD v4.1: 7 of 1,614,124 alleles (0.00043%); highest among the groups gnomAD compares: Middle Eastern, 0.12%; no homozygotes.

Submission:

Labcorp Genetics (formerly Invitae), Labcorp
Classification: Uncertain significance. Last evaluated: 2024-11-05. Review status: criteria provided, single submitter. Criteria: Invitae Variant Classification Sherloc (09022015). Collection method: clinical testing. Allele origin: germline.
Comment: This sequence change replaces tyrosine, which is neutral and polar, with cysteine, which is neutral and slightly polar, at codon 565 of the PRPF6 protein (p.Tyr565Cys). This variant is not present in population databases (gnomAD no frequency). This variant has not been reported in the literature in individuals affected with PRPF6-related conditions. ClinVar contains an entry for this variant (Variation ID: 1485428). Invitae Evidence Modeling of protein sequence and biophysical properties (such as structural, functional, and spatial information, amino acid conservation, physicochemical variation, residue mobility, and thermodynamic stability) indicates that this missense variant is not expected to disrupt PRPF6 protein function with a negative predictive value of 80%. In summary, the available evidence is currently insufficient to determine the role of this variant in disease. Therefore, it has been classified as a Variant of Uncertain Significance.

NM_012469.4(PRPF6):c.1694A>G (p.Tyr565Cys)

Gene: PRPF6 (pre-mRNA processing factor 6; plus strand). Cytogenetic location: 20q13.33.
Variant type: single nucleotide variant.
Coding change: c.1694A>G on transcript NM_012469.4 (MANE Select); coding-DNA position 1694, A replaced by G.
Protein change: p.Tyr565Cys; replaces tyrosine 565 with cysteine.
Molecular consequence: missense variant.
Genome position (GRCh38, 1-based): chr20:64,022,803, A>G. VCF-style: chr20-64022803-A-G. GRCh37 (hg19) VCF-style: chr20-62654156-A-G.
Other names: short protein forms Y565C.
Identifiers: ClinVar variation 1485428 (VCV001485428.6), dbSNP rs867976481, ClinGen allele CA317546458.